The following is an entry in ClinVar:

NM_007294.4(BRCA1):c.1577A>G (p.Gln526Arg)

Gene: BRCA1 (BRCA1 DNA repair associated; minus strand). Cytogenetic location: 17q21.31.
Variant type: single nucleotide variant.
Coding change: c.1577A>G on transcript NM_007294.4 (MANE Select); coding-DNA position 1577, A replaced by G.
Protein change: p.Gln526Arg; replaces glutamine 526 with arginine.
Molecular consequence: missense variant. On other transcripts: intron variant (137).
Genome position (GRCh38, 1-based): chr17:43,093,954, T>C on the plus strand (A>G on the coding strand, the complement: BRCA1 is on the minus strand). VCF-style: chr17-43093954-T-C. GRCh37 (hg19) VCF-style: chr17-41245971-T-C.
Other names: c.643+790A>G (NM_001408462.1, NM_001408470.1, NM_001408464.1 and 3 more transcripts); c.709+790A>G (NM_001408414.1, NM_001408411.1, NM_001408415.1 and 2 more transcripts); c.577+790A>G (NM_001408514.1, NM_001408485.1, NM_001408483.1 and 9 more transcripts); c.661+790A>G (NM_001408447.1, NM_001408433.1, NM_001408446.1 and 6 more transcripts); c.664+790A>G (NM_001408437.1, NM_001408441.1, NM_001408429.1 and 12 more transcripts); c.784+790A>G (NM_001408400.1, NM_001408392.1, NM_001407986.1 and 13 more transcripts); c.787+790A>G (NM_001407979.1, NM_001407977.1, NM_001407982.1 and 19 more transcripts); c.646+790A>G (NM_001408410.1, NM_001408458.1, NM_001408469.1 and 11 more transcripts); and 40 more; short protein forms Q230R, Q455R, Q458R, Q459R, Q485R, Q500R, Q523R, Q526R.
Identifiers: ClinVar variation 3825321 (VCV003825321.2).

ClinVar aggregate classification (germline): Uncertain significance. Review status: criteria provided, multiple submitters, no conflicts (2 of 4 stars). 2 submissions from 2 submitters: Uncertain significance (2). Last evaluated 2025-05-17.

Conditions:
Hereditary cancer-predisposing syndrome. Also called: Hereditary neoplastic syndrome; Neoplastic Syndromes, Hereditary; Tumor predisposition; Hereditary Cancer Syndrome. Identifiers: Orphanet 140162, MedGen C0027672, MeSH D009386, MONDO:0015356.
Hereditary breast ovarian cancer syndrome. Also called: Hereditary breast and ovarian cancer syndrome; BRCA1- and BRCA2-Associated Hereditary Breast and Ovarian Cancer; Hereditary breast and ovarian cancer; Hereditary breast and ovarian cancer syndrome (HBOC); Breast and ovarian cancer; Hereditary breast and/or ovarian cancer syndrome. Identifiers: Orphanet 145, MedGen C0677776, MeSH D061325, MONDO:0003582. Disease mechanism: loss of function.

gnomAD v4.1: 1 of 1,613,896 alleles (0.000062%); highest among the groups gnomAD compares: Non-Finnish European, 0.000085%; no homozygotes.

Submissions (2):

Labcorp Genetics (formerly Invitae), Labcorp
Classification: Uncertain significance for Hereditary breast ovarian cancer syndrome. Last evaluated: 2025-05-17. Review status: criteria provided, single submitter. Criteria: Invitae Variant Classification Sherloc (09022015). Collection method: clinical testing. Allele origin: germline.
Comment: This sequence change replaces glutamine, which is neutral and polar, with arginine, which is basic and polar, at codon 526 of the BRCA1 protein (p.Gln526Arg). This variant is not present in population databases (gnomAD no frequency). This variant has not been reported in the literature in individuals affected with BRCA1-related conditions. Invitae Evidence Modeling of protein sequence and biophysical properties (such as structural, functional, and spatial information, amino acid conservation, physicochemical variation, residue mobility, and thermodynamic stability) indicates that this missense variant is not expected to disrupt BRCA1 protein function with a negative predictive value of 80%. In summary, the available evidence is currently insufficient to determine the role of this variant in disease. Therefore, it has been classified as a Variant of Uncertain Significance.

Ambry Genetics
Classification: Uncertain significance for Hereditary cancer-predisposing syndrome. Last evaluated: 2025-03-12. Review status: criteria provided, single submitter. Criteria: Ambry Variant Classification Scheme 2023. Collection method: clinical testing. Allele origin: germline.
Comment: The p.Q526R variant (also known as c.1577A>G), located in coding exon 9 of the BRCA1 gene, results from an A to G substitution at nucleotide position 1577. The glutamine at codon 526 is replaced by arginine, an amino acid with highly similar properties. This amino acid position is not well conserved in available vertebrate species. In addition, the in silico prediction for this alteration is inconclusive. Based on the available evidence, the clinical significance of this variant remains unclear.